The following is an entry in ClinVar:

NM_000620.5(NOS1):c.420G>A (p.Pro140=)

Gene: NOS1 (nitric oxide synthase 1; minus strand). Cytogenetic location: 12q24.22.
Variant type: single nucleotide variant.
Coding change: c.420G>A on transcript NM_000620.5 (MANE Select); coding-DNA position 420, G replaced by A.
Protein change: p.Pro140=; no amino-acid change (proline 140 retained).
Molecular consequence: synonymous variant.
Genome position (GRCh38, 1-based): chr12:117,330,650, C>T on the plus strand (G>A on the coding strand, the complement: NOS1 is on the minus strand). VCF-style: chr12-117330650-C-T. GRCh37 (hg19) VCF-style: chr12-117768455-C-T.
Other names: c.420G>A, p.Pro140= (NM_001204218.2); c.420G>A (NM_001204218.1).
Identifiers: ClinVar variation 784257 (VCV000784257.7), dbSNP rs9658278, ClinGen allele CA6815462.

ClinVar aggregate classification (germline): Benign. Review status: criteria provided, multiple submitters, no conflicts (2 of 4 stars). 3 submissions from 3 submitters: Benign (2). 1 of the submissions does not count toward it. Last evaluated 2019-12-31.

Conditions:
NOS1-related disorder. Also called: NOS1-related condition.

Allele frequency attached by ClinVar (database versions not stated): gnomAD 0.00195; ESP Exome Variant Server 0.00209; TOPMed 0.00270; 1000 Genomes Project 0.00919; 1000 Genomes Project 30x 0.00953.
gnomAD v4.1: 7,246 of 1,611,692 alleles (0.45%); highest among the groups gnomAD compares: South Asian, 2.9%; 69 homozygotes.

Submissions (3):

Labcorp Genetics (formerly Invitae), Labcorp
Classification: Benign. Last evaluated: 2019-12-31. Review status: criteria provided, single submitter. Criteria: Invitae Variant Classification Sherloc (09022015). Collection method: clinical testing. Allele origin: germline.

Breakthrough Genomics
Classification: Benign. Review status: criteria provided, single submitter. Criteria: ACMG Guidelines, 2015. Collection method: not provided. Allele origin: germline. Inheritance: Unknown mechanism. Affected: yes.

PreventionGenetics, part of Exact Sciences
Classification: Benign for NOS1-related condition. Last evaluated: 2019-06-21. Review status: no assertion criteria provided. Collection method: clinical testing. Allele origin: germline. Not counted in ClinVar's aggregate classification.
Comment: This variant is classified as benign based on ACMG/AMP sequence variant interpretation guidelines (Richards et al. 2015 PMID: 25741868, with internal and published modifications).